The following is an entry in ClinVar:

NM_000444.6(PHEX):c.1951del (p.Arg651fs)

Genes: PHEX (phosphate regulating endopeptidase X-linked; plus strand), PTCHD1-AS (PTCHD1 and PHEX antisense RNA; minus strand). Cytogenetic location: Xp22.11.
Variant type: Deletion.
Coding change: c.1951del on transcript NM_000444.6 (MANE Select); coding-DNA position 1951, one base deleted (C; older notation c.1951delC).
Protein change: p.Arg651fs; shifts the reading frame from arginine 651.
Molecular consequence: frameshift variant.
Genome position (GRCh38, 1-based): chrX:22,226,494, C deleted. VCF-style (leftmost placement, unchanged base first): chrX-22226493-GC-G. GRCh37 (hg19) VCF-style: chrX-22244610-GC-G.
Other names: c.1951del, p.Arg651fs (NM_001282754.2); short protein forms R651fs.
Identifiers: ClinVar variation 1449615 (VCV001449615.6), dbSNP rs2147183222, ClinGen allele CA2573158546.

ClinVar aggregate classification (germline): Pathogenic (1 of 4 stars; one submission).

Submission:

Labcorp Genetics (formerly Invitae), Labcorp
Classification: Pathogenic. Last evaluated: 2021-09-05. Review status: criteria provided, single submitter. Criteria: Invitae Variant Classification Sherloc (09022015). Collection method: clinical testing. Allele origin: germline.
Comment: For these reasons, this variant has been classified as Pathogenic. This variant has not been reported in the literature in individuals affected with PHEX-related conditions. This variant is not present in population databases (ExAC no frequency). This sequence change creates a premature translational stop signal (p.Arg651Glyfs*11) in the PHEX gene. It is expected to result in an absent or disrupted protein product. Loss-of-function variants in PHEX are known to be pathogenic (PMID: 9097956, 9106524, 19219621).

Literature cited by the submitters: PubMed 9097956; PubMed 9106524; PubMed 19219621.